The following is an entry in ClinVar:

NM_004859.4(CLTC):c.3785A>T (p.Asp1262Val)

Gene: CLTC (clathrin heavy chain; plus strand). Cytogenetic location: 17q23.1.
Variant type: single nucleotide variant.
Coding change: c.3785A>T on transcript NM_004859.4 (MANE Select); coding-DNA position 3785, A replaced by T.
Protein change: p.Asp1262Val; replaces aspartic acid 1262 with valine.
Molecular consequence: missense variant.
Genome position (GRCh38, 1-based): chr17:59,682,926, A>T. VCF-style: chr17-59682926-A-T. GRCh37 (hg19) VCF-style: chr17-57760287-A-T.
Other names: c.3797A>T, p.Asp1266Val (NM_001288653.2); short protein forms D1262V, D1266V.
Identifiers: ClinVar variation 2808709 (VCV002808709.3), dbSNP rs2509153830, ClinGen allele CA400418990.
Genomic context (GRCh38, chr17:59,682,926, plus strand): 5'-GTTTTACATTTGAGTTCACAGAAAGGAAATGTTTATTCTAGGTCTGCTTCGCCTGTGTAG[A>T]TGGGAAAGAATTCCGTCTTGCTCAGATGTGTGGACTTCATATTGTTGTACATGCAGATGA-3'
Protein context (NP_004850.1, residues 1252-1272): TWKEVCFACV[Asp1262Val]GKEFRLAQMC

ClinVar aggregate classification (germline): Uncertain significance (1 of 4 stars; one submission).

gnomAD v4.1: 1 of 1,614,060 alleles (0.000062%); highest among the groups gnomAD compares: Non-Finnish European, 0.000085%; no homozygotes.

Submission:

Labcorp Genetics (formerly Invitae), Labcorp
Classification: Uncertain significance. Last evaluated: 2023-09-03. Review status: criteria provided, single submitter. Criteria: Invitae Variant Classification Sherloc (09022015). Collection method: clinical testing. Allele origin: germline.
Comment: Advanced modeling of protein sequence and biophysical properties (such as structural, functional, and spatial information, amino acid conservation, physicochemical variation, residue mobility, and thermodynamic stability) has been performed at Invitae for this missense variant, however the output from this modeling did not meet the statistical confidence thresholds required to predict the impact of this variant on CLTC protein function. This variant has not been reported in the literature in individuals affected with CLTC-related conditions. This variant is not present in population databases (gnomAD no frequency). This sequence change replaces aspartic acid, which is acidic and polar, with valine, which is neutral and non-polar, at codon 1266 of the CLTC protein (p.Asp1266Val). In summary, the available evidence is currently insufficient to determine the role of this variant in disease. Therefore, it has been classified as a Variant of Uncertain Significance.